The following is an entry in ClinVar:

ClinVar aggregate classification (germline): Uncertain significance (1 of 4 stars; one submission).

Submission:

Ambry Genetics
Classification: Uncertain significance. Last evaluated: 2023-09-22. Review status: criteria provided, single submitter. Criteria: Ambry Variant Classification Scheme 2023. Collection method: clinical testing. Allele origin: germline.
Comment: The p.R1379P variant (also known as c.4136G>C), located in coding exon 11 of the MLH3 gene, results from a G to C substitution at nucleotide position 4136. The arginine at codon 1379 is replaced by proline, an amino acid with dissimilar properties. This amino acid position is conserved. In addition, the in silico prediction for this alteration is inconclusive. Since supporting evidence is limited at this time, the clinical significance of this alteration remains unclear.

NM_001040108.2(MLH3):c.4136G>C (p.Arg1379Pro)

Gene: MLH3 (mutL homolog 3; minus strand). Cytogenetic location: 14q24.3.
Variant type: single nucleotide variant.
Coding change: c.4136G>C on transcript NM_001040108.2 (MANE Select); coding-DNA position 4136, G replaced by C.
Protein change: p.Arg1379Pro; replaces arginine 1379 with proline.
Molecular consequence: missense variant.
Genome position (GRCh38, 1-based): chr14:75,018,935, C>G on the plus strand (G>C on the coding strand, the complement: MLH3 is on the minus strand). VCF-style: chr14-75018935-C-G. GRCh37 (hg19) VCF-style: chr14-75485638-C-G.
Other names: c.4064G>C, p.Arg1355Pro (NM_014381.3); short protein forms R1355P, R1379P.
Identifiers: ClinVar variation 3232568 (VCV003232568.1), dbSNP rs199974481, ClinGen allele CA390419988.